The following is an entry in ClinVar:

ClinVar aggregate classification (germline): Uncertain significance (1 of 4 stars; one submission).

Submission:

GeneDx
Classification: Uncertain significance. Last evaluated: 2023-12-08. Review status: criteria provided, single submitter. Criteria: GeneDx Variant Classification Process June 2021. Collection method: clinical testing. Allele origin: germline. Affected: yes.
Comment: Not observed at significant frequency in large population cohorts (gnomAD); In silico analysis supports that this missense variant does not alter protein structure/function; Has not been previously published as pathogenic or benign to our knowledge

NM_006164.5(NFE2L2):c.1690G>A (p.Val564Ile)

Gene: NFE2L2 (NFE2 like bZIP transcription factor 2; minus strand). Cytogenetic location: 2q31.2.
Variant type: single nucleotide variant.
Coding change: c.1690G>A on transcript NM_006164.5 (MANE Select); coding-DNA position 1690, G replaced by A.
Protein change: p.Val564Ile; replaces valine 564 with isoleucine.
Molecular consequence: missense variant.
Genome position (GRCh38, 1-based): chr2:177,230,913, C>T on the plus strand (G>A on the coding strand, the complement: NFE2L2 is on the minus strand). VCF-style: chr2-177230913-C-T. GRCh37 (hg19) VCF-style: chr2-178095641-C-T.
Other names: c.1642G>A, p.Val548Ile (NM_001145412.3, NM_001313900.1, NM_001313901.1); c.1621G>A, p.Val541Ile (NM_001145413.3); c.1600G>A, p.Val534Ile (NM_001313902.2); c.1471G>A, p.Val491Ile (NM_001313903.2); c.1390G>A, p.Val464Ile (NM_001313904.1); short protein forms V464I, V491I, V534I, V541I, V548I, V564I.
Identifiers: ClinVar variation 2574428 (VCV002574428.2), dbSNP rs2105451032, ClinGen allele CA349366251.